The following is an entry in ClinVar:

NM_002354.3(EPCAM):c.390C>A (p.Asp130Glu)

Gene: EPCAM (epithelial cell adhesion molecule; plus strand). Cytogenetic location: 2p21.
Variant type: single nucleotide variant.
Coding change: c.390C>A on transcript NM_002354.3 (MANE Select); coding-DNA position 390, C replaced by A.
Protein change: p.Asp130Glu; replaces aspartic acid 130 with glutamic acid.
Molecular consequence: missense variant.
Genome position (GRCh38, 1-based): chr2:47,374,013, C>A. VCF-style: chr2-47374013-C-A. GRCh37 (hg19) VCF-style: chr2-47601152-C-A.
Other names: short protein forms D130E.
Identifiers: ClinVar variation 1736088 (VCV001736088.2), dbSNP rs863224389, ClinGen allele CA346723445.
Genomic context (GRCh38, chr2:47,374,013, plus strand): 5'-CAACGGCACCTCCATGTGCTGGTGTGTGAACACTGCTGGGGTCAGAAGAACAGACAAGGA[C>A]ACTGAAATAACCTGCTCTGAGCGAGTGAGAACCTAGTGAGTGGGGCTGCCTATACTACTT-3'
Protein context (NP_002345.2, residues 120-140): NTAGVRRTDK[Asp130Glu]TEITCSERVR

ClinVar aggregate classification (germline): Uncertain significance (1 of 4 stars; one submission).

Conditions:
Hereditary cancer-predisposing syndrome. Also called: Neoplastic Syndromes, Hereditary; Tumor predisposition; Hereditary Cancer Syndrome; Hereditary neoplastic syndrome. Identifiers: Orphanet 140162, MedGen C0027672, MeSH D009386, MONDO:0015356.

Allele frequency attached by ClinVar (database versions not stated): gnomAD 0.00001.

Submission:

Ambry Genetics
Classification: Uncertain significance for Hereditary cancer-predisposing syndrome. Last evaluated: 2022-04-08. Review status: criteria provided, single submitter. Criteria: Ambry Variant Classification Scheme 2023. Collection method: clinical testing. Allele origin: germline.
Comment: The p.D130E variant (also known as c.390C>A), located in coding exon 3 of the EPCAM gene, results from a C to A substitution at nucleotide position 390. The aspartic acid at codon 130 is replaced by glutamic acid, an amino acid with highly similar properties. This amino acid position is conserved. In addition, this alteration is predicted to be tolerated by in silico analysis. Since supporting evidence is limited at this time, the clinical significance of this alteration remains unclear.